The following is an entry in ClinVar:

ClinVar aggregate classification (germline): Uncertain significance (1 of 4 stars; one submission).

Submission:

Ambry Genetics
Classification: Uncertain significance. Last evaluated: 2023-03-23. Review status: criteria provided, single submitter. Criteria: Ambry Variant Classification Scheme 2023. Collection method: clinical testing. Allele origin: germline.
Comment: The p.S17L variant (also known as c.50C>T), located in coding exon 1 of the POLQ gene, results from a C to T substitution at nucleotide position 50. The serine at codon 17 is replaced by leucine, an amino acid with dissimilar properties. This amino acid position is conserved. In addition, this alteration is predicted to be tolerated by in silico analysis. Since supporting evidence is limited at this time, the clinical significance of this alteration remains unclear.

NM_199420.4(POLQ):c.50C>T (p.Ser17Leu)

Genes: POLQ (DNA polymerase theta; minus strand), LOC112872292 (Sharpr-MPRA regulatory region 30; plus strand). Cytogenetic location: 3q13.33.
Variant type: single nucleotide variant.
Coding change: c.50C>T on transcript NM_199420.4 (MANE Select); coding-DNA position 50, C replaced by T.
Protein change: p.Ser17Leu; replaces serine 17 with leucine.
Molecular consequence: missense variant.
Genome position (GRCh38, 1-based): chr3:121,545,828, G>A on the plus strand (C>T on the coding strand, the complement: POLQ is on the minus strand). VCF-style: chr3-121545828-G-A. GRCh37 (hg19) VCF-style: chr3-121264675-G-A.
Other names: short protein forms S17L.
Identifiers: ClinVar variation 2560537 (VCV002560537.2), dbSNP rs777270432, ClinGen allele CA354097631.